The following is an entry in ClinVar:

NM_000548.5(TSC2):c.1470C>T (p.Ile490=)

Gene: TSC2 (TSC complex subunit 2; plus strand). Cytogenetic location: 16p13.3.
Variant type: single nucleotide variant.
Coding change: c.1470C>T on transcript NM_000548.5 (MANE Select); coding-DNA position 1470, C replaced by T.
Protein change: p.Ile490=; no amino-acid change (isoleucine 490 retained).
Molecular consequence: synonymous variant. On other transcripts: 5 prime UTR variant (1), non-coding transcript variant (5).
Genome position (GRCh38, 1-based): chr16:2,064,298, C>T. VCF-style: chr16-2064298-C-T. GRCh37 (hg19) VCF-style: chr16-2114299-C-T.
Other names: c.1470C>T, p.Ile490= (NM_001077183.3, NM_001114382.3, NM_001363528.2 and 6 more transcripts); c.1359C>T, p.Ile453= (NM_001318827.2, NM_001406670.1, NM_001406678.1); c.1323C>T, p.Ile441= (NM_001318829.2, NM_001406675.1, NM_001406676.1 and 1 more transcripts); c.870C>T, p.Ile290= (NM_001318831.2, NM_001406680.1, NM_001406682.1 and 6 more transcripts); c.1503C>T, p.Ile501= (NM_001318832.2); c.1560C>T, p.Ile520= (NM_001406667.1, NM_001406668.1); c.1458C>T, p.Ile486= (NM_001406671.1, NM_001406673.1); c.1413C>T, p.Ile471= (NM_001406677.1); and 3 more.
Identifiers: ClinVar variation 4071136 (VCV004071136.1).
Genomic context (GRCh38, chr16:2,064,298, plus strand): 5'-CTGGCGCTCATTGGCCTCCCTTGTGCCTGTGCAGGAGGAGCTGATTAACTCAGTGGTCAT[C>T]TCGCAGCTCTCCCACATCCCCGAGGATAAAGACCACCAGGTCCGAAAGCTGGCCACCCAG-3'
Protein context (NP_000539.2, residues 480-500): YEEELINSVV[Ile490=]SQLSHIPEDK

ClinVar aggregate classification (germline): Benign (1 of 4 stars; one submission).

Conditions:
Tuberous sclerosis 2 (TSC2). Identifiers: Orphanet 805, MedGen C1860707, MONDO:0013199, OMIM 613254.

Submission:

Myriad Genetics, Inc.
Classification: Benign for Tuberous sclerosis 2. Last evaluated: 2025-05-14. Review status: criteria provided, single submitter. Criteria: Myriad Autosomal Dominant, Autosomal Recessive and X-Linked Classification Criteria (2023). Collection method: clinical testing. Allele origin: unknown.
Comment: This variant is considered benign. This variant is a silent/synonymous amino acid change and it is not expected to impact splicing.